The following is an entry in ClinVar:

ClinVar aggregate classification (germline): Uncertain significance (1 of 4 stars; one submission).

Submission:

GeneDx
Classification: Uncertain significance. Last evaluated: 2022-11-21. Review status: criteria provided, single submitter. Criteria: GeneDx Variant Classification Process June 2021. Collection method: clinical testing. Allele origin: germline. Affected: yes.
Comment: Not observed at significant frequency in large population cohorts (gnomAD); In silico analysis supports that this missense variant has a deleterious effect on protein structure/function; Has not been previously published as pathogenic or benign to our knowledge

NM_030650.3(LNPK):c.931A>G (p.Arg311Gly)

Gene: LNPK (lunapark, ER junction formation factor; minus strand). Cytogenetic location: 2q31.1.
Variant type: single nucleotide variant.
Coding change: c.931A>G on transcript NM_030650.3 (MANE Select); coding-DNA position 931, A replaced by G.
Protein change: p.Arg311Gly; replaces arginine 311 with glycine.
Molecular consequence: missense variant. On other transcripts: non-coding transcript variant (1).
Genome position (GRCh38, 1-based): chr2:175,937,467, T>C on the plus strand (A>G on the coding strand, the complement: LNPK is on the minus strand). VCF-style: chr2-175937467-T-C. GRCh37 (hg19) VCF-style: chr2-176802195-T-C.
Other names: c.1129A>G, p.Arg377Gly (NM_001305008.1); c.1024A>G, p.Arg342Gly (NM_001305009.1); c.937A>G, p.Arg313Gly (NM_001305010.1); c.562A>G, p.Arg188Gly (NM_001305011.2); short protein forms R188G, R311G, R313G, R342G, R377G.
Identifiers: ClinVar variation 2502536 (VCV002502536.1), dbSNP rs2468510706, ClinGen allele CA349696211.